The following is an entry in ClinVar:

ClinVar aggregate classification (germline): Uncertain significance (1 of 4 stars; one submission).

Submission:

GeneDx
Classification: Uncertain significance. Last evaluated: 2025-08-05. Review status: criteria provided, single submitter. Criteria: GeneDx Variant Classification Process June 2021. Collection method: clinical testing. Allele origin: germline. Affected: yes.
Comment: Not observed at significant frequency in large population cohorts (gnomAD); In silico analysis supports that this missense variant has a deleterious effect on protein structure/function; Has not been previously published as pathogenic or benign to our knowledge

NM_033517.1:c.4571A>G

Gene: SHANK3 (SH3 and multiple ankyrin repeat domains 3; plus strand).
Variant type: single nucleotide variant.
Other names: c.4571A>G (NM_033517.1).
Identifiers: ClinVar variation 4756055 (VCV004756055.1).